The following is an entry in ClinVar:

ClinVar aggregate classification (germline): Uncertain significance (1 of 4 stars; one submission).

Conditions:
Tatton-Brown-Rahman overgrowth syndrome. Also called: Tall stature-intellectual disability-facial dysmorphism syndrome; Tatton-Brown-Rahman syndrome. Identifiers: Orphanet 404443, MedGen C4014545, MONDO:0014382, OMIM 615879.

gnomAD v4.1: 2 of 1,613,728 alleles (0.00012%); highest among the groups gnomAD compares: Admixed American, 0.0017%; no homozygotes.

Submission:

Labcorp Genetics (formerly Invitae), Labcorp
Classification: Uncertain significance for Tatton-Brown-Rahman overgrowth syndrome. Last evaluated: 2024-04-03. Review status: criteria provided, single submitter. Criteria: Invitae Variant Classification Sherloc (09022015). Collection method: clinical testing. Allele origin: germline.
Comment: This sequence change falls in intron 12 of the DNMT3A gene. It does not directly change the encoded amino acid sequence of the DNMT3A protein. It affects a nucleotide within the consensus splice site. This variant is not present in population databases (gnomAD no frequency). This variant has not been reported in the literature in individuals affected with DNMT3A-related conditions. Variants that disrupt the consensus splice site are a relatively common cause of aberrant splicing (PMID: 17576681, 9536098). Algorithms developed to predict the effect of sequence changes on RNA splicing suggest that this variant is not likely to affect RNA splicing. In summary, the available evidence is currently insufficient to determine the role of this variant in disease. Therefore, it has been classified as a Variant of Uncertain Significance.

Literature cited by the submitters: PubMed 17576681; PubMed 9536098.

NM_022552.5(DNMT3A):c.1474+4A>T

Gene: DNMT3A (DNA methyltransferase 3 alpha; minus strand). Cytogenetic location: 2p23.3.
Variant type: single nucleotide variant.
Coding change: c.1474+4A>T on transcript NM_022552.5 (MANE Select); 4 bases into the intron after coding-DNA position 1474, A replaced by T.
Molecular consequence: intron variant.
Genome position (GRCh38, 1-based): chr2:25,246,016, T>A on the plus strand (A>T on the coding strand, the complement: DNMT3A is on the minus strand). VCF-style: chr2-25246016-T-A. GRCh37 (hg19) VCF-style: chr2-25468885-T-A.
Other names: c.1474+4A>T (NM_175629.2); c.907+4A>T (NM_153759.3); c.1018+4A>T (NM_001320893.1); c.805+4A>T (NM_001375819.1).
Identifiers: ClinVar variation 3730446 (VCV003730446.2).